The following is an entry in ClinVar:

NM_000091.5(COL4A3):c.4777G>A (p.Gly1593Ser)

Genes: COL4A3 (collagen type IV alpha 3 chain; plus strand), MFF-DT (MFF divergent transcript; minus strand). Cytogenetic location: 2q36.3.
Variant type: single nucleotide variant.
Coding change: c.4777G>A on transcript NM_000091.5 (MANE Select); coding-DNA position 4777, G replaced by A.
Protein change: p.Gly1593Ser; replaces glycine 1593 with serine.
Molecular consequence: missense variant.
Genome position (GRCh38, 1-based): chr2:227,310,797, G>A. VCF-style: chr2-227310797-G-A. GRCh37 (hg19) VCF-style: chr2-228175513-G-A.
Other names: short protein forms G1593S.
Identifiers: ClinVar variation 2007265 (VCV002007265.4), dbSNP rs2469945994, ClinGen allele CA350866025.
Genomic context (GRCh38, chr2:227,310,797, plus strand): 5'-TGGACAGAGTGTTTATTCAGATTTTTAAAATTGTGGTAGTTCACAAGTGCAGGTTCTGAG[G>A]GCACCGGGCAAGCACTGGCCTCCCCTGGCTCCTGCCTGGAAGAATTCCGAGCCAGCCCAT-3'
Protein context (NP_000082.2, residues 1583-1603): FIMFTSAGSE[Gly1593Ser]TGQALASPGS

ClinVar aggregate classification (germline): Uncertain significance (1 of 4 stars; one submission).

Submission:

Labcorp Genetics (formerly Invitae), Labcorp
Classification: Uncertain significance. Last evaluated: 2022-10-23. Review status: criteria provided, single submitter. Criteria: Invitae Variant Classification Sherloc (09022015). Collection method: clinical testing. Allele origin: germline.
Comment: This sequence change replaces glycine, which is neutral and non-polar, with serine, which is neutral and polar, at codon 1593 of the COL4A3 protein (p.Gly1593Ser). This variant is not present in population databases (gnomAD no frequency). This variant has not been reported in the literature in individuals affected with COL4A3-related conditions. Advanced modeling of protein sequence and biophysical properties (such as structural, functional, and spatial information, amino acid conservation, physicochemical variation, residue mobility, and thermodynamic stability) has been performed at Invitae for this missense variant, however the output from this modeling did not meet the statistical confidence thresholds required to predict the impact of this variant on COL4A3 protein function. In summary, the available evidence is currently insufficient to determine the role of this variant in disease. Therefore, it has been classified as a Variant of Uncertain Significance.